The following is an entry in ClinVar:

NM_201384.3(PLEC):c.12979G>A (p.Gly4327Ser)

Gene: PLEC (plectin; minus strand). Cytogenetic location: 8q24.3.
Variant type: single nucleotide variant.
Coding change: c.12979G>A on transcript NM_201384.3 (MANE Select); coding-DNA position 12979, G replaced by A.
Protein change: p.Gly4327Ser; replaces glycine 4327 with serine.
Molecular consequence: missense variant.
Genome position (GRCh38, 1-based): chr8:143,916,842, C>T on the plus strand (G>A on the coding strand, the complement: PLEC is on the minus strand). VCF-style: chr8-143916842-C-T. GRCh37 (hg19) VCF-style: chr8-144991010-C-T.
Other names: p.Gly4354Ser; c.13060G>A, p.Gly4354Ser (NM_000445.5); c.12937G>A, p.Gly4313Ser (NM_201378.4); c.12913G>A, p.Gly4305Ser (NM_201379.3); c.13390G>A, p.Gly4464Ser (NM_201380.4); c.12883G>A, p.Gly4295Ser (NM_201381.3); c.12979G>A, p.Gly4327Ser (NM_201382.4); c.12991G>A, p.Gly4331Ser (NM_201383.3); and 1 more; short protein forms G4295S, G4305S, G4313S, G4327S, G4331S, G4354S, G4464S.
Identifiers: ClinVar variation 497081 (VCV000497081.22), dbSNP rs368027812, ClinGen allele CA4923935.
Genomic context (GRCh38, chr8:143,916,842, plus strand): 5'-CCACCATGATCTTGTCCACCAGGCCCTTGTTGACGGCGTCGGTGACAGGGAAGCGCTCAC[C>T]GGTGCTGGGGTCGATGATGCCCCCGGTGCAGGCCTGCGCCTCCAGCAGCCGCTGCCCCGT-3'
Protein context (NP_958786.1, residues 4317-4337): CTGGIIDPST[Gly4327Ser]ERFPVTDAVN

ClinVar aggregate classification (germline): Uncertain significance. Review status: criteria provided, multiple submitters, no conflicts (2 of 4 stars). 5 submissions from 5 submitters: Uncertain significance (5). Last evaluated 2025-05-23.

Conditions:
Inborn genetic diseases. Identifiers: MedGen C0950123, MeSH D030342.
Epidermolysis bullosa simplex 5B, with muscular dystrophy (EBS5B). Also called: EPIDERMOLYSIS BULLOSA SIMPLEX AND LIMB-GIRDLE MUSCULAR DYSTROPHY; Epidermolysis bullosa simplex with muscular dystrophy. Identifiers: Orphanet 257, MedGen C2931072, MONDO:0009181, OMIM 226670.
Epidermolysis bullosa simplex, Ogna type (EBS5A). Also called: Pidermolysis bullosa simplex 5A, Ogna type; EPIDERMOLYSIS BULLOSA SIMPLEX 5A, OGNA TYPE. Identifiers: Orphanet 79401, MedGen C0432317, MONDO:0007555, OMIM 131950.
Autosomal recessive limb-girdle muscular dystrophy type 2Q (LGMDR17). Also called: MUSCULAR DYSTROPHY, LIMB-GIRDLE, AUTOSOMAL RECESSIVE 17. Identifiers: Orphanet 254361, MedGen C3150989, MONDO:0013390, OMIM 613723.
Epidermolysis bullosa simplex 5C, with pyloric atresia (EBS5C). Also called: Epidermolysis bullosa simplex with pyloric atresia; PLEC1-Related Epidermolysis Bullosa with Pyloric Atresia; PLEC-Related Epidermolysis Bullosa with Pyloric Atresia. Identifiers: Orphanet 158684, MedGen C2677349, MONDO:0012807, OMIM 612138.
Epidermolysis bullosa simplex with nail dystrophy (EBS5D). Identifiers: MedGen C4225309, MONDO:0014661, OMIM 616487.

Allele frequency attached by ClinVar (database versions not stated): gnomAD exomes 0.00003; ExAC 0.00005; TOPMed 0.00005; gnomAD 0.00007; ESP Exome Variant Server 0.00008.
gnomAD v4.1: 79 of 1,612,496 alleles (0.0049%); highest among the groups gnomAD compares: Non-Finnish European, 0.0055%; no homozygotes.

Submissions (5):

Labcorp Genetics (formerly Invitae), Labcorp
Classification: Uncertain significance for Autosomal recessive limb-girdle muscular dystrophy type 2Q; Epidermolysis bullosa simplex, Ogna type; Epidermolysis bullosa simplex with nail dystrophy; Epidermolysis bullosa simplex 5C, with pyloric atresia; Epidermolysis bullosa simplex 5B, with muscular dystrophy. Last evaluated: 2025-05-23. Review status: criteria provided, single submitter. Criteria: Invitae Variant Classification Sherloc (09022015). Collection method: clinical testing. Allele origin: germline.
Comment: This sequence change replaces glycine, which is neutral and non-polar, with serine, which is neutral and polar, at codon 4354 of the PLEC protein (p.Gly4354Ser). This variant is present in population databases (rs368027812, gnomAD 0.008%). This variant has not been reported in the literature in individuals affected with PLEC-related conditions. ClinVar contains an entry for this variant (Variation ID: 497081). Invitae Evidence Modeling of protein sequence and biophysical properties (such as structural, functional, and spatial information, amino acid conservation, physicochemical variation, residue mobility, and thermodynamic stability) indicates that this missense variant is expected to disrupt PLEC protein function with a positive predictive value of 80%. In summary, the available evidence is currently insufficient to determine the role of this variant in disease. Therefore, it has been classified as a Variant of Uncertain Significance.

Ambry Genetics
Classification: Uncertain significance for Inborn genetic diseases. Last evaluated: 2024-03-25. Review status: criteria provided, single submitter. Criteria: Ambry Variant Classification Scheme 2023. Collection method: clinical testing. Allele origin: germline.

Mayo Clinic Laboratories, Mayo Clinic
Classification: Uncertain significance. Last evaluated: 2023-12-13. Review status: criteria provided, single submitter. Criteria: ACMG Guidelines, 2015. Collection method: clinical testing. Allele origin: germline. Observed: 1 variant allele.
Comment: PM2_moderate

Revvity Omics, Revvity
Classification: Uncertain significance. Last evaluated: 2020-09-20. Review status: criteria provided, single submitter. Criteria: ACMG Guidelines, 2015. Collection method: clinical testing. Allele origin: germline.

Eurofins Ntd Llc (ga)
Classification: Uncertain significance. Last evaluated: 2018-01-25. Review status: criteria provided, single submitter. Criteria: EGL Classification Definitions 2015. Collection method: clinical testing. Allele origin: germline. Observed: 3 variant alleles, 3 heterozygotes.